The following is an entry in ClinVar:

NM_152564.5(VPS13B):c.2794C>A (p.Pro932Thr)

Gene: VPS13B (vacuolar protein sorting 13 homolog B; plus strand). Cytogenetic location: 8q22.2.
Variant type: single nucleotide variant.
Coding change: c.2794C>A on transcript NM_152564.5 (MANE Select); coding-DNA position 2794, C replaced by A.
Protein change: p.Pro932Thr; replaces proline 932 with threonine.
Molecular consequence: missense variant.
Genome position (GRCh38, 1-based): chr8:99,275,224, C>A. VCF-style: chr8-99275224-C-A. GRCh37 (hg19) VCF-style: chr8-100287452-C-A.
Other names: c.2794C>A, p.Pro932Thr (NM_017890.5); short protein forms P932T.
Identifiers: ClinVar variation 5019279 (VCV005019279.2).

ClinVar aggregate classification (germline): Uncertain significance (1 of 4 stars; one submission).

Conditions:
Cohen syndrome (COH1). Also called: PEPPER SYNDROME; Cutis verticis gyrata, retinitis pigmentosa, and sensorineural deafness. Identifiers: Orphanet 193, MedGen C0265223, MONDO:0008999, OMIM 216550.

Submission:

Juno Genomics, Hangzhou Juno Genomics, Inc
Classification: Uncertain significance for Cohen syndrome. Review status: criteria provided, single submitter. Criteria: ACMG Guidelines, 2015. Collection method: clinical testing. Allele origin: germline.
Comment: Absent from controls (or at extremely low frequency if recessive) in Genome Aggregation Database.;Multiple lines of computational evidence support a deleterious effect on the gene or gene product.